The following is an entry in ClinVar:

ClinVar aggregate classification (germline): Benign. Review status: criteria provided, multiple submitters, no conflicts (2 of 4 stars). 2 submissions from 2 submitters: Benign (2). Last evaluated 2018-06-16.

Allele frequency attached by ClinVar (database versions not stated): gnomAD 0.01661 and 0.01744; TOPMed 0.01846; 1000 Genomes Project 0.02296; 1000 Genomes Project 30x 0.02483.
gnomAD v4.1: 3,834 of 773,296 alleles (0.5%); highest among the groups gnomAD compares: African/African-American, 5.8%; 103 homozygotes.

Submissions (2):

GeneDx
Classification: Benign. Last evaluated: 2018-06-16. Review status: criteria provided, single submitter. Criteria: GeneDx Variant Classification (06012015). Collection method: clinical testing. Allele origin: germline. Affected: yes.
Comment: This variant is considered likely benign or benign based on one or more of the following criteria: it is a conservative change, it occurs at a poorly conserved position in the protein, it is predicted to be benign by multiple in silico algorithms, and/or has population frequency not consistent with disease.

Breakthrough Genomics
Classification: Benign. Review status: criteria provided, single submitter. Criteria: ACMG Guidelines, 2015. Collection method: not provided. Allele origin: germline. Inheritance: Autosomal recessive inheritance. Affected: yes.

NM_005566.4(LDHA):c.592+125T>G

Gene: LDHA (lactate dehydrogenase A; plus strand). Cytogenetic location: 11p15.1.
Variant type: single nucleotide variant.
Coding change: c.592+125T>G on transcript NM_005566.4 (MANE Select); 125 bases into the intron after coding-DNA position 592, T replaced by G.
Molecular consequence: intron variant.
Genome position (GRCh38, 1-based): chr11:18,403,138, T>G. VCF-style: chr11-18403138-T-G. GRCh37 (hg19) VCF-style: chr11-18424685-T-G.
Other names: c.592+125T>G (NM_001165416.2, NM_001165415.2); c.418+125T>G (NM_001135239.2); c.679+125T>G (NM_001165414.2).
Identifiers: ClinVar variation 683092 (VCV000683092.2), dbSNP rs78250273, ClinGen allele CA218584692.